The following is an entry in ClinVar:

NM_002900.3(RBP3):c.2320G>A (p.Asp774Asn)

Gene: RBP3 (retinol binding protein 3; plus strand). Cytogenetic location: 10q11.22.
Variant type: single nucleotide variant.
Coding change: c.2320G>A on transcript NM_002900.3 (MANE Select); coding-DNA position 2320, G replaced by A.
Protein change: p.Asp774Asn; replaces aspartic acid 774 with asparagine.
Molecular consequence: missense variant.
Genome position (GRCh38, 1-based): chr10:47,350,804, G>A. VCF-style: chr10-47350804-G-A. GRCh37 (hg19) VCF-style: chr10-48388558-C-T.
Other names: short protein forms D774N.
Identifiers: ClinVar variation 943749 (VCV000943749.8), dbSNP rs782484543, ClinGen allele CA5487311.

ClinVar aggregate classification (germline): Uncertain significance. Review status: criteria provided, multiple submitters, no conflicts (2 of 4 stars). 3 submissions from 3 submitters: Uncertain significance (3). Last evaluated 2022-07-12.

Conditions:
Inborn genetic diseases. Identifiers: MedGen C0950123, MeSH D030342.

Allele frequency attached by ClinVar (database versions not stated): gnomAD 0.00001 and 0.00003; gnomAD exomes 0.00001 and 0.00006; ExAC 0.00009; TOPMed 0.00009.
gnomAD v4.1: 24 of 1,612,944 alleles (0.0015%); highest among the groups gnomAD compares: East Asian, 0.042%; no homozygotes.

Submissions (3):

Ambry Genetics
Classification: Uncertain significance for Inborn genetic diseases. Last evaluated: 2022-07-12. Review status: criteria provided, single submitter. Criteria: Ambry Variant Classification Scheme 2023. Collection method: clinical testing. Allele origin: germline.

Labcorp Genetics (formerly Invitae), Labcorp
Classification: Uncertain significance. Last evaluated: 2021-08-26. Review status: criteria provided, single submitter. Criteria: Invitae Variant Classification Sherloc (09022015). Collection method: clinical testing. Allele origin: germline.
Comment: This sequence change replaces aspartic acid with asparagine at codon 774 of the RBP3 protein (p.Asp774Asn). The aspartic acid residue is moderately conserved and there is a small physicochemical difference between aspartic acid and asparagine. This variant is present in population databases (rs782484543, ExAC 0.1%). This variant has not been reported in the literature in individuals affected with RBP3-related conditions. Algorithms developed to predict the effect of missense changes on protein structure and function output the following: SIFT: "Tolerated"; PolyPhen-2: "Possibly Damaging"; Align-GVGD: "Class C0". The asparagine amino acid residue is found in multiple mammalian species, which suggests that this missense change does not adversely affect protein function. In summary, the available evidence is currently insufficient to determine the role of this variant in disease. Therefore, it has been classified as a Variant of Uncertain Significance.

Blueprint Genetics
Classification: Uncertain significance. Last evaluated: 2020-10-08. Review status: criteria provided, single submitter. Criteria: ACMG Guidelines, 2015. Collection method: clinical testing. Allele origin: germline.